The following is an entry in ClinVar:

ClinVar aggregate classification (germline): Conflicting classifications of pathogenicity. Review status: criteria provided, conflicting classifications (1 of 4 stars). 9 submissions from 9 submitters: Uncertain significance (3); Likely benign (5). 1 of the submissions does not count toward it. Last evaluated 2026-08-01.

Conditions:
Hereditary cancer-predisposing syndrome. Also called: Neoplastic Syndromes, Hereditary; Tumor predisposition; Hereditary neoplastic syndrome; Hereditary Cancer Syndrome. Identifiers: Orphanet 140162, MedGen C0027672, MeSH D009386, MONDO:0015356.
Tuberous sclerosis syndrome (TSC). Also called: Tuberous Sclerosis Complex; Tuberous sclerosis. Identifiers: Orphanet 805, MedGen C0041341, MONDO:0001734.
Tuberous sclerosis 2 (TSC2). Identifiers: Orphanet 805, MedGen C1860707, MONDO:0013199, OMIM 613254.

Allele frequency attached by ClinVar (database versions not stated): gnomAD exomes 0.00001 and 0.00002; ExAC 0.00003; gnomAD 0.00003; TOPMed 0.00003; ESP Exome Variant Server 0.00008; 1000 Genomes Project 30x 0.00016; 1000 Genomes Project 0.00020.
gnomAD v4.1: 21 of 1,611,442 alleles (0.0013%); highest among the groups gnomAD compares: Admixed American, 0.0083%; no homozygotes.

Submissions (9):

CeGaT Center for Human Genetics Tuebingen
Classification: Likely benign. Last evaluated: 2026-08-01. Review status: criteria provided, single submitter. Criteria: CeGaT Center For Human Genetics Tuebingen Variant Classification Criteria Version 2. Collection method: clinical testing. Allele origin: germline. Affected: yes. Observed: 3 variant alleles.
Comment: TSC2: BS2

Labcorp Genetics (formerly Invitae), Labcorp
Classification: Likely benign for Tuberous sclerosis 2. Last evaluated: 2026-01-25. Review status: criteria provided, single submitter. Criteria: Invitae Variant Classification Sherloc (09022015). Collection method: clinical testing. Allele origin: germline.

Color Diagnostics, LLC DBA Color Health
Classification: Uncertain significance for Tuberous sclerosis syndrome. Last evaluated: 2023-10-25. Review status: criteria provided, single submitter. Criteria: ACMG Guidelines, 2015. Collection method: clinical testing. Allele origin: germline.
Comment: This missense variant replaces arginine with histidine at codon 1634 of the TSC2 protein. Computational prediction suggests that this variant may have deleterious impact on protein structure and function. To our knowledge, functional studies have not been reported for this variant. This variant has not been reported in individuals affected with TSC2-related disorders in the literature. This variant has been identified in 6/280624 chromosomes in the general population by the Genome Aggregation Database (gnomAD). The available evidence is insufficient to determine the role of this variant in disease conclusively. Therefore, this variant is classified as a Variant of Uncertain Significance.

Blueprint Genetics
Classification: Likely benign. Last evaluated: 2023-07-19. Review status: criteria provided, single submitter. Criteria: ACMG Guidelines, 2015. Collection method: clinical testing. Allele origin: germline.

Women's Health and Genetics/Laboratory Corporation of America, LabCorp
Classification: Uncertain significance. Last evaluated: 2022-07-24. Review status: criteria provided, single submitter. Criteria: LabCorp Variant Classification Summary - May 2015. Collection method: clinical testing. Allele origin: germline.
Comment: Variant summary: TSC2 c.4901G>A (p.Arg1634His) results in a non-conservative amino acid change located in the Rap/Ran-GAP domain (IPR000331) of the encoded protein sequence. Four of five in-silico tools predict a damaging effect of the variant on protein function. The variant allele was found at a frequency of 2e-05 in 249238 control chromosomes. The available data on variant occurrences in the general population are insufficient to allow any conclusion about variant significance. To our knowledge, no occurrence of c.4901G>A in individuals affected with Tuberous Sclerosis Complex and no experimental evidence demonstrating its impact on protein function have been reported. Four clinical diagnostic laboratories have submitted clinical-significance assessments for this variant to ClinVar after 2014 without evidence for independent evaluation. Multiple laboratories reported the variant with conflicting assessments (VUS, n=2; Likely benign, n=2). Based on the evidence outlined above, the variant was classified as uncertain significance.

Sema4
Classification: Uncertain significance for Hereditary cancer-predisposing syndrome. Last evaluated: 2022-02-03. Review status: criteria provided, single submitter. Criteria: Sema4 Curation Guidelines. Collection method: curation. Allele origin: germline.
Comment: To the best of our knowledge, the TSC2 c.4901G>A (p.R1634H) variant has not been reported in individuals with TSC2-related disease. It was observed in 6/280624 chromosomes among all subpopulations in the large and broad cohorts of the Genome Aggregation Database (PMID: 32461654). This variant has been reported in ClinVar (Variation ID 135390). In silico tools suggest the impact of the variant on protein function is deleterious, though these predictions have not been confirmed by functional studies. The evidence is insufficient to meet ACMG/AMP criteria for classifying the variant as benign or pathogenic. Thus, the clinical significance of this variant is currently uncertain.

Genome-Nilou Lab
Classification: Likely benign for Tuberous sclerosis 2. Last evaluated: 2021-11-07. Review status: criteria provided, single submitter. Criteria: ACMG Guidelines, 2015. Collection method: clinical testing. Allele origin: germline. Affected: no.

Ambry Genetics
Classification: Likely benign for Hereditary cancer-predisposing syndrome. Last evaluated: 2021-03-22. Review status: criteria provided, single submitter. Criteria: Ambry Variant Classification Scheme 2023. Collection method: clinical testing. Allele origin: germline.

ITMI
No classification provided. Condition: AllHighlyPenetrant. Last evaluated: 2013-09-19. Review status: no classification provided. Collection method: reference population. Allele origin: germline. Not counted in ClinVar's aggregate classification.
Comment: Please see associated publication for description of ethnicities

Literature cited by the submitters: PubMed 24728327 (cited by Ambry Genetics and ITMI).

NM_000548.5(TSC2):c.4901G>A (p.Arg1634His)

Gene: TSC2 (TSC complex subunit 2; plus strand). Cytogenetic location: 16p13.3.
Variant type: single nucleotide variant.
Coding change: c.4901G>A on transcript NM_000548.5 (MANE Select); coding-DNA position 4901, G replaced by A.
Protein change: p.Arg1634His; replaces arginine 1634 with histidine.
Molecular consequence: missense variant.
Genome position (GRCh38, 1-based): chr16:2,086,783, G>A. VCF-style: chr16-2086783-G-A. GRCh37 (hg19) VCF-style: chr16-2136784-G-A.
Other names: c.4901G>A (NM_000548.4); c.4700G>A, p.Arg1567His (NM_001077183.3); c.4832G>A, p.Arg1611His (NM_001114382.3); c.4592G>A, p.Arg1531His (NM_001318827.2); c.4556G>A, p.Arg1519His (NM_001318829.2); c.4169G>A, p.Arg1390His (NM_001318831.2); c.4733G>A, p.Arg1578His (NM_001318832.2); c.4703G>A, p.Arg1568His (NM_001363528.2); and 2 more; short protein forms R1634H, R1531H, R1590H, R1611H, R1390H, R1567H, R1568H, R1591H.
Identifiers: ClinVar variation 135390 (VCV000135390.34), dbSNP rs201694466, ClinGen allele CA021194.